The following is an entry in ClinVar:

NM_012154.5(AGO2):c.232A>G (p.Met78Val)

Gene: AGO2 (argonaute RISC catalytic component 2; minus strand). Cytogenetic location: 8q24.3.
Variant type: single nucleotide variant.
Coding change: c.232A>G on transcript NM_012154.5 (MANE Select); coding-DNA position 232, A replaced by G.
Protein change: p.Met78Val; replaces methionine 78 with valine.
Molecular consequence: missense variant.
Genome position (GRCh38, 1-based): chr8:140,572,916, T>C on the plus strand (A>G on the coding strand, the complement: AGO2 is on the minus strand). VCF-style: chr8-140572916-T-C. GRCh37 (hg19) VCF-style: chr8-141583015-T-C.
Other names: c.232A>G, p.Met78Val (NM_001164623.3); short protein forms M78V.
Identifiers: ClinVar variation 3766228 (VCV003766228.1).

ClinVar aggregate classification (germline): Uncertain significance (1 of 4 stars; one submission).

gnomAD v4.1: 1 of 1,609,272 alleles (0.000062%); highest among the groups gnomAD compares: Non-Finnish European, 0.000085%; no homozygotes.

Submission:

GeneDx
Classification: Uncertain significance. Last evaluated: 2024-08-22. Review status: criteria provided, single submitter. Criteria: GeneDx Variant Classification Process June 2021. Collection method: clinical testing. Allele origin: germline. Affected: yes.
Comment: Not observed at significant frequency in large population cohorts (gnomAD); In silico analysis supports that this missense variant has a deleterious effect on protein structure/function; Has not been previously published as pathogenic or benign to our knowledge